The following is an entry in ClinVar:

NM_001134407.3(GRIN2A):c.2596-13T>A

Gene: GRIN2A (glutamate ionotropic receptor NMDA type subunit 2A; minus strand). Cytogenetic location: 16p13.2.
Variant type: single nucleotide variant.
Coding change: c.2596-13T>A on transcript NM_001134407.3 (MANE Select); 13 bases into the intron before coding-DNA position 2596, T replaced by A.
Molecular consequence: intron variant.
Genome position (GRCh38, 1-based): chr16:9,764,961, A>T on the plus strand (T>A on the coding strand, the complement: GRIN2A is on the minus strand). VCF-style: chr16-9764961-A-T. GRCh37 (hg19) VCF-style: chr16-9858818-A-T.
Other names: c.2596-13T>A (NM_001134408.2, NM_000833.5).
Identifiers: ClinVar variation 2028887 (VCV002028887.4), dbSNP rs2505972630, ClinGen allele CA2580092151.

ClinVar aggregate classification (germline): Uncertain significance (1 of 4 stars; one submission).

Conditions:
Landau-Kleffner syndrome (FESD). Also called: EPILEPSY, FOCAL, WITH SPEECH DISORDER AND WITH OR WITHOUT MENTAL RETARDATION; APHASIA, ACQUIRED, WITH EPILEPSY. Identifiers: Orphanet 1945, Orphanet 725, Orphanet 98818, MedGen C0282512, MONDO:0009509, OMIM 245570.

Submission:

Labcorp Genetics (formerly Invitae), Labcorp
Classification: Uncertain significance for Landau-Kleffner syndrome. Last evaluated: 2022-09-03. Review status: criteria provided, single submitter. Criteria: Invitae Variant Classification Sherloc (09022015). Collection method: clinical testing. Allele origin: germline.
Comment: In summary, the available evidence is currently insufficient to determine the role of this variant in disease. Therefore, it has been classified as a Variant of Uncertain Significance. Algorithms developed to predict the effect of sequence changes on RNA splicing suggest that this variant may disrupt the consensus splice site. This variant has not been reported in the literature in individuals affected with GRIN2A-related conditions. This variant is not present in population databases (gnomAD no frequency). This sequence change falls in intron 13 of the GRIN2A gene. It does not directly change the encoded amino acid sequence of the GRIN2A protein.